The following is an entry in ClinVar:

ClinVar aggregate classification (germline): Uncertain significance. Review status: criteria provided, multiple submitters, no conflicts (2 of 4 stars). 2 submissions from 2 submitters: Uncertain significance (2). Last evaluated 2026-04-28.

Conditions:
Inborn genetic diseases. Identifiers: MedGen C0950123, MeSH D030342.
Baller-Gerold syndrome (BGS). Also called: CRANIOSYNOSTOSIS WITH RADIAL DEFECTS. Identifiers: Orphanet 1225, MedGen C0265308, MONDO:0009039, OMIM 218600.

Allele frequency attached by ClinVar (database versions not stated): ExAC 0.00001.

Submissions (2):

Ambry Genetics
Classification: Uncertain significance for Inborn genetic diseases. Last evaluated: 2026-04-28. Review status: criteria provided, single submitter. Criteria: Ambry Variant Classification Scheme 2023. Collection method: clinical testing. Allele origin: germline.
Comment: The p.G457E variant (also known as c.1370G>A), located in coding exon 7 of the RECQL4 gene, results from a G to A substitution at nucleotide position 1370. The glycine at codon 457 is replaced by glutamic acid, an amino acid with similar properties. This amino acid position is conserved. In addition, this alteration is predicted to be tolerated by in silico analysis. Based on the available evidence, the clinical significance of this variant remains unclear.

Labcorp Genetics (formerly Invitae), Labcorp
Classification: Uncertain significance for Baller-Gerold syndrome. Last evaluated: 2024-04-10. Review status: criteria provided, single submitter. Criteria: Invitae Variant Classification Sherloc (09022015). Collection method: clinical testing. Allele origin: germline.
Comment: This sequence change replaces glycine, which is neutral and non-polar, with glutamic acid, which is acidic and polar, at codon 457 of the RECQL4 protein (p.Gly457Glu). This variant is present in population databases (rs767811680, gnomAD 0.004%). This variant has not been reported in the literature in individuals affected with RECQL4-related conditions. Advanced modeling of protein sequence and biophysical properties (such as structural, functional, and spatial information, amino acid conservation, physicochemical variation, residue mobility, and thermodynamic stability) performed at Invitae indicates that this missense variant is not expected to disrupt RECQL4 protein function with a negative predictive value of 80%. In summary, the available evidence is currently insufficient to determine the role of this variant in disease. Therefore, it has been classified as a Variant of Uncertain Significance.

NM_004260.4(RECQL4):c.1370G>A (p.Gly457Glu)

Gene: RECQL4 (RecQ like helicase 4; minus strand). Cytogenetic location: 8q24.3.
Variant type: single nucleotide variant.
Coding change: c.1370G>A on transcript NM_004260.4 (MANE Select); coding-DNA position 1370, G replaced by A.
Protein change: p.Gly457Glu; replaces glycine 457 with glutamic acid.
Molecular consequence: missense variant. On other transcripts: 5 prime UTR variant (1), non-coding transcript variant (3).
Genome position (GRCh38, 1-based): chr8:144,515,346, C>T on the plus strand (G>A on the coding strand, the complement: RECQL4 is on the minus strand). VCF-style: chr8-144515346-C-T. GRCh37 (hg19) VCF-style: chr8-145740730-C-T.
Other names: c.299G>A, p.Gly100Glu (NM_001413035.1, NM_001413037.1, NM_001413038.1 and 8 more transcripts); c.1370G>A, p.Gly457Glu (NM_001413036.1, NM_001413039.1, NM_001413033.1 and 2 more transcripts); c.233G>A, p.Gly78Glu (NM_001413041.1, NM_001413027.1, NM_001413030.1 and 2 more transcripts); c.-98G>A (NM_001413043.1); c.1241G>A, p.Gly414Glu (NM_001413025.1); c.1019G>A, p.Gly340Glu (NM_001413029.1); c.1274G>A, p.Gly425Glu (NM_001413020.1, NM_001413017.1); c.1370G>A (NM_004260.3); short protein forms G425E, G100E, G340E, G78E, G414E, G457E.
Identifiers: ClinVar variation 2727727 (VCV002727727.4), dbSNP rs767811680, ClinGen allele CA4948903.